The following is an entry in ClinVar:

NM_198578.4(LRRK2):c.1595T>C (p.Met532Thr)

Gene: LRRK2 (leucine rich repeat kinase 2; plus strand). Cytogenetic location: 12q12.
Variant type: single nucleotide variant.
Coding change: c.1595T>C on transcript NM_198578.4 (MANE Select); coding-DNA position 1595, T replaced by C.
Protein change: p.Met532Thr; replaces methionine 532 with threonine.
Molecular consequence: missense variant.
Genome position (GRCh38, 1-based): chr12:40,263,840, T>C. VCF-style: chr12-40263840-T-C. GRCh37 (hg19) VCF-style: chr12-40657642-T-C.
Other names: short protein forms M532T.
Identifiers: ClinVar variation 1776003 (VCV001776003.2), dbSNP rs2499572240, ClinGen allele CA384398943.

ClinVar aggregate classification (germline): Uncertain significance (1 of 4 stars; one submission).

Conditions:
Inborn genetic diseases. Identifiers: MedGen C0950123, MeSH D030342.

Allele frequency attached by ClinVar (database versions not stated): gnomAD exomes below 0.00001.
gnomAD v4.1: 1 of 1,613,260 alleles (0.000062%); highest among the groups gnomAD compares: Non-Finnish European, 0.000085%; no homozygotes.

Submission:

Ambry Genetics
Classification: Uncertain significance for Inborn genetic diseases. Last evaluated: 2022-01-30. Review status: criteria provided, single submitter. Criteria: Ambry Variant Classification Scheme 2023. Collection method: clinical testing. Allele origin: germline.
Comment: The p.M532T variant (also known as c.1595T>C), located in coding exon 14 of the LRRK2 gene, results from a T to C substitution at nucleotide position 1595. The methionine at codon 532 is replaced by threonine, an amino acid with similar properties. This amino acid position is conserved. In addition, this alteration is predicted to be tolerated by in silico analysis. Since supporting evidence is limited at this time, the clinical significance of this alteration remains unclear.